The following is an entry in ClinVar:

NM_032444.4(SLX4):c.2753C>T (p.Thr918Ile)

Gene: SLX4 (SLX4 structure-specific endonuclease subunit; minus strand). Cytogenetic location: 16p13.3.
Variant type: single nucleotide variant.
Coding change: c.2753C>T on transcript NM_032444.4 (MANE Select); coding-DNA position 2753, C replaced by T.
Protein change: p.Thr918Ile; replaces threonine 918 with isoleucine.
Molecular consequence: missense variant.
Genome position (GRCh38, 1-based): chr16:3,590,885, G>A on the plus strand (C>T on the coding strand, the complement: SLX4 is on the minus strand). VCF-style: chr16-3590885-G-A. GRCh37 (hg19) VCF-style: chr16-3640886-G-A.
Other names: short protein forms T918I.
Identifiers: ClinVar variation 807970 (VCV000807970.24), dbSNP rs781323142, ClinGen allele CA7866080.

ClinVar aggregate classification (germline): Uncertain significance. Review status: criteria provided, multiple submitters, no conflicts (2 of 4 stars). 4 submissions from 4 submitters: Uncertain significance (4). Last evaluated 2025-06-12.

Conditions:
Fanconi anemia complementation group P. Also called: SLX4-Related Fanconi Anemia. Identifiers: Orphanet 84, MedGen C3469542, MONDO:0013499, OMIM 613951.
Fanconi anemia (FA). Also called: Fanconi's anemia. Identifiers: Orphanet 84, MedGen C0015625, MeSH D005199, MONDO:0019391.

Allele frequency attached by ClinVar (database versions not stated): gnomAD 0.00005 and 0.00006; ExAC 0.00006; gnomAD exomes 0.00007 and 0.00018; TOPMed 0.00008.
gnomAD v4.1: 267 of 1,613,956 alleles (0.017%); highest among the groups gnomAD compares: Non-Finnish European, 0.022%; no homozygotes.

Submissions (4):

Labcorp Genetics (formerly Invitae), Labcorp
Classification: Uncertain significance for Fanconi anemia. Last evaluated: 2025-06-12. Review status: criteria provided, single submitter. Criteria: Invitae Variant Classification Sherloc (09022015). Collection method: clinical testing. Allele origin: germline.
Comment: This sequence change replaces threonine, which is neutral and polar, with isoleucine, which is neutral and non-polar, at codon 918 of the SLX4 protein (p.Thr918Ile). This variant is present in population databases (rs781323142, gnomAD 0.01%). This variant has not been reported in the literature in individuals affected with SLX4-related conditions. ClinVar contains an entry for this variant (Variation ID: 807970). An algorithm developed to predict the effect of missense changes on protein structure and function (PolyPhen-2) suggests that this variant is likely to be tolerated. In summary, the available evidence is currently insufficient to determine the role of this variant in disease. Therefore, it has been classified as a Variant of Uncertain Significance.

Fulgent Genetics
Classification: Uncertain significance for Fanconi anemia complementation group P. Last evaluated: 2024-04-24. Review status: criteria provided, single submitter. Criteria: ACMG Guidelines, 2015. Collection method: clinical testing. Allele origin: germline.

Genetic Services Laboratory, University of Chicago
Classification: Uncertain significance. Last evaluated: 2017-08-09. Review status: criteria provided, single submitter. Criteria: ACMG Guidelines, 2015. Collection method: clinical testing. Allele origin: germline. Affected: no.

Illumina Laboratory Services, Illumina
Classification: Uncertain significance for Fanconi anemia complementation group P. Last evaluated: 2017-04-27. Review status: criteria provided, single submitter. Criteria: ICSL Variant Classification Criteria 13 December 2019. Collection method: clinical testing. Allele origin: germline.